The following is an entry in ClinVar:

NM_001376.5(DYNC1H1):c.6880G>A (p.Glu2294Lys)

Gene: DYNC1H1 (dynein cytoplasmic 1 heavy chain 1; plus strand). Cytogenetic location: 14q32.31.
Variant type: single nucleotide variant.
Coding change: c.6880G>A on transcript NM_001376.5 (MANE Select); coding-DNA position 6880, G replaced by A.
Protein change: p.Glu2294Lys; replaces glutamic acid 2294 with lysine.
Molecular consequence: missense variant.
Genome position (GRCh38, 1-based): chr14:102,012,336, G>A. VCF-style: chr14-102012336-G-A. GRCh37 (hg19) VCF-style: chr14-102478673-G-A.
Other names: short protein forms E2294K.
Identifiers: ClinVar variation 1319231 (VCV001319231.34), dbSNP rs2152579365, ClinGen allele CA391058474.

ClinVar aggregate classification (germline): Pathogenic/Likely pathogenic. Review status: criteria provided, multiple submitters, no conflicts (2 of 4 stars). 5 submissions from 5 submitters: Pathogenic (1); Likely pathogenic (3). 1 of the submissions does not count toward it. Last evaluated 2024-12-30.

Conditions:
Cortical dysplasia, complex, with other brain malformations 13. Also called: Intellectual disability, autosomal dominant 13. Identifiers: MedGen C3281202, MONDO:0013805, OMIM 614563.
Intellectual disability. Also called: Intellectual functioning disability; Intellectual developmental disorder; intellectual disabilities. Identifiers: MedGen C3714756, MeSH D008607, MONDO:0001071, HP:0001249.

Submissions (5):

GeneDx
Classification: Pathogenic. Last evaluated: 2024-12-30. Review status: criteria provided, single submitter. Criteria: GeneDx Variant Classification Process June 2021. Collection method: clinical testing. Allele origin: germline. Affected: yes.
Comment: Not observed at significant frequency in large population cohorts (gnomAD); Located in the critical motor domain (PMID: 25512093, 25609763, 26100331); In silico analysis supports that this missense variant has a deleterious effect on protein structure/function; This variant is associated with the following publications: (PMID: 25512093, 25609763, 26100331, 39214127, 35099838, 32788638, 36636459, 38848546)

CeGaT Center for Human Genetics Tuebingen
Classification: Likely pathogenic. Last evaluated: 2022-04-01. Review status: criteria provided, single submitter. Criteria: CeGaT Center For Human Genetics Tuebingen Variant Classification Criteria Version 2. Collection method: clinical testing. Allele origin: germline. Affected: yes. Observed: 1 variant allele.
Comment: DYNC1H1: PM2, PS2:Moderate, PP2, PP3, PP4, PS4:Supporting

Institute for Clinical Genetics, University Hospital TU Dresden, University Hospital TU Dresden
Classification: Likely pathogenic. Last evaluated: 2021-11-03. Review status: criteria provided, single submitter. Criteria: ACMG Guidelines, 2015. Collection method: clinical testing. Allele origin: germline.

Institute for Medical Genetics and Human Genetics, Charité - Universitätsmedizin Berlin
Classification: Likely pathogenic for Cortical dysplasia, complex, with other brain malformations 13. Review status: criteria provided, single submitter. Criteria: ACMG Guidelines, 2015. Collection method: not provided. Allele origin: germline. Inheritance: Autosomal dominant inheritance. Affected: yes.

Cambridge Genomics Laboratory, East Genomic Laboratory Hub, NHS Genomic Medicine Service
Classification: Uncertain significance for Intellectual disability. Last evaluated: 2020-03-28. Review status: flagged submission. Criteria: ACGS Best Practice Guidelines for Variant Classification in Rare Disease 2020. Collection method: clinical testing. Allele origin: germline. Affected: yes. Observed: 1 variant allele. Not counted in ClinVar's aggregate classification.
ClinVar note: Reason: Older and outlier claim with insufficient supporting evidence